The following is an entry in ClinVar:

ClinVar aggregate classification (germline): Uncertain significance. Review status: criteria provided, multiple submitters, no conflicts (2 of 4 stars). 3 submissions from 3 submitters: Uncertain significance (2). 1 of the submissions does not count toward it. Last evaluated 2022-09-06.

Conditions:
Primary ciliary dyskinesia. Also called: Ciliary dyskinesia. Identifiers: Orphanet 244, MedGen C0008780, MONDO:0016575, HP:0012265.

Allele frequency attached by ClinVar (database versions not stated): gnomAD exomes 0.00001; ExAC 0.00002; TOPMed 0.00005; gnomAD 0.00007 and 0.00009; ESP Exome Variant Server 0.00015.
gnomAD v4.1: 20 of 1,608,046 alleles (0.0012%); highest among the groups gnomAD compares: African/African-American, 0.023%; no homozygotes.

Submissions (3):

Labcorp Genetics (formerly Invitae), Labcorp
Classification: Uncertain significance for Primary ciliary dyskinesia. Last evaluated: 2022-09-06. Review status: criteria provided, single submitter. Criteria: Invitae Variant Classification Sherloc (09022015). Collection method: clinical testing. Allele origin: germline.
Comment: This sequence change replaces tyrosine, which is neutral and polar, with cysteine, which is neutral and slightly polar, at codon 1429 of the DNAH5 protein (p.Tyr1429Cys). This variant is present in population databases (rs141052175, gnomAD 0.01%). This variant has not been reported in the literature in individuals affected with DNAH5-related conditions. ClinVar contains an entry for this variant (Variation ID: 238973). Algorithms developed to predict the effect of missense changes on protein structure and function are either unavailable or do not agree on the potential impact of this missense change (SIFT: "Deleterious"; PolyPhen-2: "Probably Damaging"; Align-GVGD: "Class C0"). In summary, the available evidence is currently insufficient to determine the role of this variant in disease. Therefore, it has been classified as a Variant of Uncertain Significance.

Ambry Genetics
Classification: Uncertain significance for Primary ciliary dyskinesia. Last evaluated: 2021-08-18. Review status: criteria provided, single submitter. Criteria: Ambry Variant Classification Scheme 2023. Collection method: clinical testing. Allele origin: germline.

Natera, Inc.
Classification: Uncertain significance for Primary ciliary dyskinesia. Last evaluated: 2020-02-21. Review status: no assertion criteria provided. Collection method: clinical testing. Allele origin: germline. Not counted in ClinVar's aggregate classification.

NM_001369.3(DNAH5):c.4286A>G (p.Tyr1429Cys)

Genes: DNAH5 (dynein axonemal heavy chain 5; minus strand), DNAH5-AS1 (DNAH5 antisense RNA 1; plus strand). Cytogenetic location: 5p15.2.
Variant type: single nucleotide variant.
Coding change: c.4286A>G on transcript NM_001369.3 (MANE Select); coding-DNA position 4286, A replaced by G.
Protein change: p.Tyr1429Cys; replaces tyrosine 1429 with cysteine.
Molecular consequence: missense variant.
Genome position (GRCh38, 1-based): chr5:13,865,737, T>C on the plus strand (A>G on the coding strand, the complement: DNAH5 is on the minus strand). VCF-style: chr5-13865737-T-C. GRCh37 (hg19) VCF-style: chr5-13865846-T-C.
Other names: short protein forms Y1429C.
Identifiers: ClinVar variation 238973 (VCV000238973.9), dbSNP rs141052175, ClinGen allele CA3204028.